The following is an entry in ClinVar:

NM_000441.2(SLC26A4):c.2027T>A (p.Leu676Gln)

Gene: SLC26A4 (solute carrier family 26 member 4; plus strand). Cytogenetic location: 7q22.3.
Variant type: single nucleotide variant.
Coding change: c.2027T>A on transcript NM_000441.2 (MANE Select); coding-DNA position 2027, T replaced by A.
Protein change: p.Leu676Gln; replaces leucine 676 with glutamine.
Molecular consequence: missense variant.
Genome position (GRCh38, 1-based): chr7:107,702,050, T>A. VCF-style: chr7-107702050-T-A. GRCh37 (hg19) VCF-style: chr7-107342495-T-A.
Other names: short protein forms L676Q.
Identifiers: ClinVar variation 43533 (VCV000043533.34), dbSNP rs111033318, ClinGen allele CA261424.

ClinVar aggregate classification (germline): Pathogenic/Likely pathogenic. Review status: criteria provided, multiple submitters, no conflicts (2 of 4 stars). 16 submissions from 15 submitters: Pathogenic (12); Likely pathogenic (1). 3 of the submissions do not count toward it. Last evaluated 2025-10-04.

Conditions:
SLC26A4-related disorder. Also called: SLC26A4-related disorders; SLC26A4-related condition.
Rare genetic deafness. Identifiers: Orphanet 96210, MedGen C5680250.
Pendred syndrome (PDS). Also called: DEAFNESS WITH GOITER; Pendred's syndrome; Pendred Syndrome (PDS); GOITER-DEAFNESS SYNDROME; HYPOTHYROIDISM, CONGENITAL, DUE TO DYSHORMONOGENESIS, 2B; THYROID DYSHORMONOGENESIS 2B. Identifiers: Orphanet 705, MedGen C0271829, MONDO:0010134, OMIM 274600.
Autosomal recessive nonsyndromic hearing loss 4 (DFNB4). Also called: Deafness, autosomal recessive 4, with enlarged vestibular aqueduct; FOXI1-Related Pendred Syndrome; KCNJ10-Related Pendred Syndrome; Deafness, autosomal recessive 4; NEUROSENSORY NONSYNDROMIC RECESSIVE DEAFNESS 4; Nonsyndromic enlarged vestibular aqueduct (NSEVA). Identifiers: Orphanet 90636, MedGen C3538946, MONDO:0010933, OMIM 600791.

Allele frequency attached by ClinVar (database versions not stated): gnomAD exomes below 0.00001; TOPMed 0.00002.
gnomAD v4.1: 3 of 1,605,732 alleles (0.00019%); highest among the groups gnomAD compares: East Asian, 0.0022%; no homozygotes.

Submissions (16):

Natera, Inc.
Classification: Pathogenic for Pendred syndrome. Last evaluated: 2025-10-04. Review status: criteria provided, single submitter. Criteria: Natera Variant Classification Schema (03/2026). Collection method: clinical testing. Allele origin: germline.
Comment: The c.2027T>A variant in SLC26A4 is a missense variant predicted to cause substitution of leucine to glutamine at amino acid 676. This variant is rare in the general population with a frequency below the threshold expected for the associated phenotype(s). This variant has been observed in one or more individuals affected with the associated recessive disease, as either homozygous or compound heterozygous with a second variant (PMID: 28640090, 25015771, 17718863, 23918157). Additionally, this variant has been observed to segregate in affected family members (PMID: 25015771). Computational prediction algorithms indicate this variant is likely to affect gene or protein function. Given the available evidence, this variant is classified as Pathogenic.

PreventionGenetics, part of Exact Sciences
Classification: Pathogenic for SLC26A4-related condition. Last evaluated: 2025-06-23. Review status: criteria provided, single submitter. Criteria: ACMG Guidelines, 2015. Collection method: clinical testing. Allele origin: germline.
Comment: The SLC26A4 c.2027T>A variant is predicted to result in the amino acid substitution p.Leu676Gln. This variant has been reported in the homozygous and compound heterozygous states in multiple individuals with non-syndromic hearing loss or enlarged vestibular aqueducts (see for examples, Park et al. 2003. PubMed ID: 12676893; Tian et al. 2021. PubMed ID: 34170635; Danilchenko et al. 2021. PubMed ID: 34943614). This variant has not been reported in a large population database (gnomAD), indicating it is rare. In vitro experimental studies suggest this variant affects the iodide efflux mediation and bicarbonate/chloride exchange activity compared to wildtype (Gillam et al. 2004. PubMed ID: 14715652; Yoon et al. 2008. PubMed ID: 18310264). This variant is interpreted as pathogenic.

Fulgent Genetics
Classification: Pathogenic for Pendred syndrome; Autosomal recessive nonsyndromic hearing loss 4. Last evaluated: 2024-05-21. Review status: criteria provided, single submitter. Criteria: ACMG Guidelines, 2015. Collection method: clinical testing. Allele origin: germline.

Baylor Genetics
Classification: Pathogenic for Autosomal recessive nonsyndromic hearing loss 4. Last evaluated: 2024-02-15. Review status: criteria provided, single submitter. Criteria: ACMG Guidelines, 2015. Collection method: clinical testing. Allele origin: unknown.

GeneDx
Classification: Pathogenic. Last evaluated: 2024-02-09. Review status: criteria provided, single submitter. Criteria: GeneDx Variant Classification Process June 2021. Collection method: clinical testing. Allele origin: germline. Affected: yes.
Comment: Published functional studies demonstrate defective transported activity and intracellular retention (PMID: 14715652, 18310264); Not observed at significant frequency in large population cohorts (gnomAD); In silico analysis supports that this missense variant has a deleterious effect on protein structure/function; This variant is associated with the following publications: (PMID: 21154317, 36107570, 35853923, 34943614, 14715652, 18310264, 12676893, 21961810, 25015771, 32868181, 32645618, 33724713, 34170635, 35982127, 36833263, 25266519, 34426522, 32877901, 31541171, 30896630, 30275481)

Labcorp Genetics (formerly Invitae), Labcorp
Classification: Pathogenic. Last evaluated: 2023-12-01. Review status: criteria provided, single submitter. Criteria: Invitae Variant Classification Sherloc (09022015). Collection method: clinical testing. Allele origin: germline.
Comment: This sequence change replaces leucine, which is neutral and non-polar, with glutamine, which is neutral and polar, at codon 676 of the SLC26A4 protein (p.Leu676Gln). This variant is not present in population databases (gnomAD no frequency). This missense change has been observed in individual(s) with SLC26A4-related conditions (PMID: 12676893, 14715652, 21961810). In at least one individual the data is consistent with being in trans (on the opposite chromosome) from a pathogenic variant. ClinVar contains an entry for this variant (Variation ID: 43533). Advanced modeling of protein sequence and biophysical properties (such as structural, functional, and spatial information, amino acid conservation, physicochemical variation, residue mobility, and thermodynamic stability) performed at Invitae indicates that this missense variant is expected to disrupt SLC26A4 protein function with a positive predictive value of 95%. Experimental studies have shown that this missense change affects SLC26A4 function (PMID: 14715652, 18310264). For these reasons, this variant has been classified as Pathogenic.

Genome-Nilou Lab
Classification: Pathogenic for Autosomal recessive nonsyndromic hearing loss 4. Last evaluated: 2021-09-05. Review status: criteria provided, single submitter. Criteria: ACMG Guidelines, 2015. Collection method: clinical testing. Allele origin: germline. Affected: no.

Genome-Nilou Lab
Classification: Pathogenic for Pendred syndrome. Last evaluated: 2021-09-05. Review status: criteria provided, single submitter. Criteria: ACMG Guidelines, 2015. Collection method: clinical testing. Allele origin: germline. Affected: no.

Genomic Research Center, Shahid Beheshti University of Medical Sciences
Classification: Likely pathogenic. Last evaluated: 2020-05-03. Review status: criteria provided, single submitter. Criteria: ACMG Guidelines, 2015. Collection method: clinical testing. Allele origin: unknown. Affected: yes.

Blueprint Genetics
Classification: Pathogenic for SLC26A4-related disorders. Last evaluated: 2018-04-23. Review status: criteria provided, single submitter. Criteria: ACMG Guidelines, 2015. Collection method: clinical testing. Allele origin: germline. Affected: yes. Observed: 1 variant allele.

Genetics Research Center, University of Social Welfare and Rehabilitation Sciences
Classification: Pathogenic for Autosomal recessive nonsyndromic hearing loss 4. Review status: criteria provided, single submitter. Criteria: ACMG Guidelines, 2015. Collection method: research. Allele origin: germline. Affected: yes.
Comment: The variant is not present in the gnomAD v2.1.1 dataset and has been previously reported in individual(s) affected with SLC26A4-related hearing loss (PMID:21154317, 36107570, 35853923, 34943614, 12676893, 21961810, 25015771, 32868181, 32645618, 33724713, 34170635, 35982127, 36833263, 25266519, 34426522, 32877901, 31541171, 30896630, 30275481). Another missense variant in the same codon, p.Leu676Pro, has also been reported in patient(s) with recessive nonsyndromic hearing loss (Variation ID:1515298). Experimental studies have shown that this missense change affects SLC26A4 function (PMID:14715652, 18310264).

Juno Genomics, Hangzhou Juno Genomics, Inc
Classification: Pathogenic for Autosomal recessive nonsyndromic hearing loss 4; Pendred syndrome. Review status: criteria provided, single submitter. Criteria: ACMG Guidelines, 2015. Collection method: clinical testing. Allele origin: germline. Affected: yes.
Comment: Absent from controls (or at extremely low frequency if recessive) in Genome Aggregation Database, Exome Sequencing Project, 1000 Genomes Project, or Exome Aggregation Consortium.;Well-established in vitro or in vivo functional studies supportive of a damaging effect on the gene or gene product.;For recessive disorders, detected in trans with a pathogenic variant.

Kariminejad - Najmabadi Pathology & Genetics Center
Classification: Pathogenic for Pendred syndrome. Review status: criteria provided, single submitter. Criteria: ACMG Guidelines, 2015. Collection method: clinical testing. Allele origin: germline. Affected: no.

Genetic Testing Center for Deafness, Department of Otolaryngology Head & Neck Surgery, Institute of Otolaryngology, Chinese PLA General Hospital
Classification: Likely pathogenic for Autosomal recessive nonsyndromic hearing loss 4. Last evaluated: 2019-02-26. Review status: no assertion criteria provided. Collection method: case-control. Allele origin: inherited. Affected: yes. Observed: 1 variant allele. Not counted in ClinVar's aggregate classification.

Counsyl
Classification: Likely pathogenic for Pendred's syndrome. Last evaluated: 2014-11-11. Review status: no assertion criteria provided. Collection method: literature only. Allele origin: unknown. Inheritance: Autosomal recessive inheritance. Not counted in ClinVar's aggregate classification.

Laboratory for Molecular Medicine, Mass General Brigham Personalized Medicine
Classification: Pathogenic for Rare genetic deafness. Last evaluated: 2007-06-19. Review status: no assertion criteria provided. Collection method: clinical testing. Allele origin: germline. Observed: 1 variant allele. Not counted in ClinVar's aggregate classification.

Literature cited by the submitters: PubMed 28640090 (cited by Natera, Inc.); PubMed 25015771 (cited by Natera, Inc. and Genetics Research Center, University of Social Welfare and Rehabilitation Sciences); PubMed 17718863 (cited by Natera, Inc. and Counsyl); PubMed 23918157 (cited by Natera, Inc. and Counsyl); PubMed 12676893 (cited by 4 submitters); PubMed 14715652 (cited by 3 submitters); PubMed 21961810 (cited by 3 submitters); PubMed 18310264 (cited by 3 submitters); PubMed 21154317 (cited by Genetics Research Center, University of Social Welfare and Rehabilitation Sciences); PubMed 36107570 (cited by Genetics Research Center, University of Social Welfare and Rehabilitation Sciences); PubMed 35853923 (cited by Genetics Research Center, University of Social Welfare and Rehabilitation Sciences); PubMed 34943614 (cited by Genetics Research Center, University of Social Welfare and Rehabilitation Sciences); PubMed 32868181 (cited by Genetics Research Center, University of Social Welfare and Rehabilitation Sciences); PubMed 32645618 (cited by Genetics Research Center, University of Social Welfare and Rehabilitation Sciences); PubMed 33724713 (cited by Genetics Research Center, University of Social Welfare and Rehabilitation Sciences); PubMed 34170635 (cited by Genetics Research Center, University of Social Welfare and Rehabilitation Sciences); PubMed 35982127 (cited by Genetics Research Center, University of Social Welfare and Rehabilitation Sciences); PubMed 36833263 (cited by Genetics Research Center, University of Social Welfare and Rehabilitation Sciences); PubMed 25266519 (cited by Genetics Research Center, University of Social Welfare and Rehabilitation Sciences); PubMed 34426522 (cited by Genetics Research Center, University of Social Welfare and Rehabilitation Sciences); PubMed 32877901 (cited by Genetics Research Center, University of Social Welfare and Rehabilitation Sciences); PubMed 31541171 (cited by Genetics Research Center, University of Social Welfare and Rehabilitation Sciences); PubMed 30896630 (cited by Genetics Research Center, University of Social Welfare and Rehabilitation Sciences); PubMed 30275481 (cited by Genetics Research Center, University of Social Welfare and Rehabilitation Sciences); PubMed 24007330 (cited by Counsyl); PubMed 18274916 (cited by Counsyl); PubMed 23151025 (cited by Counsyl).